The following is an entry in ClinVar:

NM_000180.4(GUCY2D):c.722-1G>T

Gene: GUCY2D (guanylate cyclase 2D, retinal; plus strand). Cytogenetic location: 17p13.1.
Variant type: single nucleotide variant.
Coding change: c.722-1G>T on transcript NM_000180.4 (MANE Select); the canonical splice acceptor site of the intron before coding-DNA position 722, G replaced by T.
Molecular consequence: splice acceptor variant.
Genome position (GRCh38, 1-based): chr17:8,003,851, G>T. VCF-style: chr17-8003851-G-T. GRCh37 (hg19) VCF-style: chr17-7907169-G-T.
Other names: NM_000180.4:c.722-1G>T.
Identifiers: ClinVar variation 3602090 (VCV003602090.1).

ClinVar aggregate classification (germline): Pathogenic (3 of 4 stars; one submission).

Conditions:
GUCY2D-related recessive retinopathy. Also called: Recessive GUCY2D retinopathy. Identifiers: MedGen CN305603, MONDO:0100453.

Submission:

ClinGen Leber Congenital Amaurosis/early Onset Retinal Dystrophy Variant Curation Expert Panel, ClinGen
Classification: Pathogenic for GUCY2D-related recessive retinopathy. Last evaluated: 2025-01-31. Review status: reviewed by expert panel. Criteria: ClinGen LCAeoRD ACMG Specifications GUCY2D V1.0.0. Collection method: curation. Allele origin: germline. Inheritance: Autosomal recessive inheritance.
Comment: The NM_000180.4(GUCY2D):c.722-1G>T variant disrupts a canonical splice site in intron 2 and is predicted to lead to skipping of a critical exon. The subsequent frameshift is predicted to lead to nonsense-mediated decay in a gene in which loss-of-function is an established mechanism of disease (PVS1). The variant has been reported to segregate with childhood-onset severe retinal dystrophy through the proband plus 1 similarly affected relative, with the variant present in the compound heterozygous state (PP1; PMID: 34662339). This variant is absent from gnomAD v4.1.0 (PM2_Supporting). In summary, this variant meets the criteria to be classified as Pathogenic for GUCY2D-related recessive retinopathy based on the ACMG/AMP criteria applied, as specified by the ClinGen LCA/eoRD VCEP: PVS1, PP1, PM2_supporting. (VCEP specifications version 1.0.0; date of approval 01/22/2025).